The following is an entry in ClinVar:

ClinVar aggregate classification (germline): Uncertain significance (1 of 4 stars; one submission).

Conditions:
PKD1-related disorder. Also called: PKD1-related condition.

Submission:

PreventionGenetics, part of Exact Sciences
Classification: Uncertain significance for PKD1-related condition. Last evaluated: 2025-05-20. Review status: criteria provided, single submitter. Criteria: ACMG Guidelines, 2015. Collection method: clinical testing. Allele origin: germline.
Comment: The PKD1 c.10685G>C variant is predicted to result in the amino acid substitution p.Ser3562Thr. To our knowledge, this variant has not been reported in the literature. This variant is reported in 0.040% of alleles in individuals of African descent in gnomAD. Although we suspect that this variant may be benign, at this time, the clinical significance of this variant is uncertain due to the absence of conclusive functional and genetic evidence.

NM_001009944.3(PKD1):c.10685G>C (p.Ser3562Thr)

Genes: PKD1 (polycystin 1, transient receptor potential channel interacting; minus strand), PKD1-AS1 (PKD1 antisense RNA 1; plus strand). Cytogenetic location: 16p13.3.
Variant type: single nucleotide variant.
Coding change: c.10685G>C on transcript NM_001009944.3 (MANE Select); coding-DNA position 10685, G replaced by C.
Protein change: p.Ser3562Thr; replaces serine 3562 with threonine.
Molecular consequence: missense variant.
Genome position (GRCh38, 1-based): chr16:2,093,947, C>G on the plus strand (G>C on the coding strand, the complement: PKD1 is on the minus strand). VCF-style: chr16-2093947-C-G. GRCh37 (hg19) VCF-style: chr16-2143948-C-G.
Other names: c.10682G>C, p.Ser3561Thr (NM_000296.4); short protein forms S3562T, S3561T.
Identifiers: ClinVar variation 4978002 (VCV004978002.1).
Genomic context (GRCh38, chr16:2,093,947, plus strand): 5'-GGGGGGAAGCTCGCACCCACCCACCCTGAGACAGCCACAGCCACAGCCACCAGGAGCAGG[C>G]TGAGCCCGTGGGCCAGGGAGGCACACCAGGCCGGCAGCAGGCGCTTCCGCAGACCCTCCA-3'
Protein context (NP_001009944.3, residues 3552-3572): AWCASLAHGL[Ser3562Thr]LLLVAVAVAV